The following is an entry in ClinVar:

NM_001111125.3(IQSEC2):c.3065G>A (p.Arg1022His)

Gene: IQSEC2 (IQ motif and Sec7 domain ArfGEF 2; minus strand). Cytogenetic location: Xp11.22.
Variant type: single nucleotide variant.
Coding change: c.3065G>A on transcript NM_001111125.3 (MANE Select); coding-DNA position 3065, G replaced by A.
Protein change: p.Arg1022His; replaces arginine 1022 with histidine.
Molecular consequence: missense variant.
Genome position (GRCh38, 1-based): chrX:53,239,245, C>T on the plus strand (G>A on the coding strand, the complement: IQSEC2 is on the minus strand). VCF-style: chrX-53239245-C-T. GRCh37 (hg19) VCF-style: chrX-53268427-C-T.
Other names: c.3065G>A, p.Arg1022His (NM_001410736.1); c.2450G>A, p.Arg817His (NM_015075.2); short protein forms R1022H, R817H.
Identifiers: ClinVar variation 2432860 (VCV002432860.4), dbSNP rs782517888, ClinGen allele CA10419851.
Genomic context (GRCh38, chrX:53,239,245, plus strand): 5'-AGGGACTCACATGAATTCTGGAAGAGCTGCATGTGCATTTCCACGAGGGGGAAAGACTGA[C>T]GGAAACTGTACGTCACCAAGATCTTCTTCTTCTGGAAAATTTTGGTGACCTTTGGCAGGG-3'
Protein context (NP_001104595.1, residues 1012-1032): KKKILVTYSF[Arg1022His]QSFPLVEMHM

ClinVar aggregate classification (germline): Uncertain significance. Review status: criteria provided, multiple submitters, no conflicts (2 of 4 stars). 2 submissions from 2 submitters: Uncertain significance (2). Last evaluated 2023-07-25.

Conditions:
Intellectual developmental disorder, X-linked 1. Also called: Intellectual disability, X-linked 1; Atkin Flaitz Patil Smith syndrome; MENTAL RETARDATION, X-LINKED 18; MENTAL RETARDATION, X-LINKED 78. Identifiers: Orphanet 777, MedGen C2931498, MONDO:0010656, OMIM 309530.

Allele frequency attached by ClinVar (database versions not stated): ExAC 0.00001.

Submissions (2):

Institute for Clinical Genetics, University Hospital TU Dresden, University Hospital TU Dresden
Classification: Uncertain significance. Last evaluated: 2023-07-25. Review status: criteria provided, single submitter. Criteria: ACMG Guidelines, 2015. Collection method: clinical testing. Allele origin: maternal.
Comment: PM1, PM2_SUP, PP2

Revvity Omics, Revvity
Classification: Uncertain significance for Intellectual developmental disorder, X-linked 1. Last evaluated: 2022-01-21. Review status: criteria provided, single submitter. Criteria: ACMG Guidelines, 2015. Collection method: clinical testing. Allele origin: germline.